The following is an entry in ClinVar:

NM_024426.6(WT1):c.288C>G (p.Gly96=)

Genes: WT1 (WT1 transcription factor; minus strand), LOC107982234 (WT1/WT1-AS bi-directional promoter region; plus strand). Cytogenetic location: 11p13.
Variant type: single nucleotide variant.
Coding change: c.288C>G on transcript NM_024426.6 (MANE Select); coding-DNA position 288, C replaced by G.
Protein change: p.Gly96=; no amino-acid change (glycine 96 retained).
Molecular consequence: synonymous variant. On other transcripts: non-coding transcript variant (2).
Genome position (GRCh38, 1-based): chr11:32,435,073, G>C on the plus strand (C>G on the coding strand, the complement: WT1 is on the minus strand). VCF-style: chr11-32435073-G-C. GRCh37 (hg19) VCF-style: chr11-32456619-G-C.
Other names: c.288C>G, p.Gly96= (NM_000378.6, NM_001407044.1, NM_001407045.1 and 6 more transcripts); c.69C>G, p.Gly23= (NM_001429031.1, NM_001429032.1, NM_001429033.1 and 1 more transcripts); c.273C>G, p.Gly91= (NM_024425.2); c.273C>G (NM_024426.4).
Identifiers: ClinVar variation 3072223 (VCV003072223.2), dbSNP rs1853463255, ClinGen allele CA473773943.

ClinVar aggregate classification (germline): Likely benign. Review status: criteria provided, multiple submitters, no conflicts (2 of 4 stars). 2 submissions from 2 submitters: Likely benign (2). Last evaluated 2025-02-03.

Conditions:
Wilms tumor 1 (WT1). Also called: Wilms tumor, somatic. Identifiers: Orphanet 654, MedGen CN033288, MONDO:0008679, OMIM 194070.
Inborn genetic diseases. Identifiers: MedGen C0950123, MeSH D030342.

Allele frequency attached by ClinVar (database versions not stated): gnomAD exomes below 0.00001.
gnomAD v4.1: 1 of 1,483,082 alleles (0.000067%); highest among the groups gnomAD compares: Non-Finnish European, 0.000089%; no homozygotes.

Submissions (2):

Ambry Genetics
Classification: Likely benign for Inborn genetic diseases. Last evaluated: 2025-02-03. Review status: criteria provided, single submitter. Criteria: Ambry Variant Classification Scheme 2023. Collection method: clinical testing. Allele origin: germline.

All of Us Research Program, National Institutes of Health
Classification: Likely benign for Wilms tumor 1. Last evaluated: 2023-06-26. Review status: criteria provided, single submitter. Criteria: ACMG Guidelines, 2015. Collection method: clinical testing. Allele origin: germline. Inheritance: Autosomal dominant inheritance. Observed: 1 variant allele, 1 heterozygote.
Comment: This study involves interpretation of variants in research participants for the purpose of population health screening. Participant phenotype was not available at the time of variant classification. Additional details can be found in publication PMID: 35346344, PMCID: PMC8962531